The following is an entry in ClinVar:

NM_006785.4(MALT1):c.49C>T (p.Pro17Ser)

Genes: MALT1-AS1 (MALT1 antisense RNA 1; minus strand), MALT1 (MALT1 paracaspase; plus strand), LOC130062586 (ATAC-STARR-seq lymphoblastoid silent region 9487; plus strand). Cytogenetic location: 18q21.32.
Variant type: single nucleotide variant.
Coding change: c.49C>T on transcript NM_006785.4 (MANE Select); coding-DNA position 49, C replaced by T.
Protein change: p.Pro17Ser; replaces proline 17 with serine.
Molecular consequence: missense variant. On other transcripts: non-coding transcript variant (1).
Genome position (GRCh38, 1-based): chr18:58,671,692, C>T. VCF-style: chr18-58671692-C-T. GRCh37 (hg19) VCF-style: chr18-56338924-C-T.
Other names: c.49C>T, p.Pro17Ser (NM_173844.3); c.49C>T (NM_006785.2); short protein forms P17S.
Identifiers: ClinVar variation 1475464 (VCV001475464.8), dbSNP rs2054163065, ClinGen allele CA402570633.

ClinVar aggregate classification (germline): Uncertain significance. Review status: criteria provided, multiple submitters, no conflicts (2 of 4 stars). 2 submissions from 2 submitters: Uncertain significance (2). Last evaluated 2025-08-21.

Conditions:
Inborn genetic diseases. Identifiers: MedGen C0950123, MeSH D030342.
Combined immunodeficiency due to MALT1 deficiency. Also called: Immunodeficiency 12. Identifiers: Orphanet 397964, MedGen C3809583, MONDO:0014197, OMIM 615468.

Allele frequency attached by ClinVar (database versions not stated): gnomAD 0.00001; gnomAD exomes 0.00001.
gnomAD v4.1: 4 of 1,254,808 alleles (0.00032%); highest among the groups gnomAD compares: South Asian, 0.0092%; no homozygotes.

Submissions (2):

Ambry Genetics
Classification: Uncertain significance for Inborn genetic diseases. Last evaluated: 2025-08-21. Review status: criteria provided, single submitter. Criteria: Ambry Variant Classification Scheme 2023. Collection method: clinical testing. Allele origin: germline.

Labcorp Genetics (formerly Invitae), Labcorp
Classification: Uncertain significance for Combined immunodeficiency due to MALT1 deficiency. Last evaluated: 2022-02-03. Review status: criteria provided, single submitter. Criteria: Invitae Variant Classification Sherloc (09022015). Collection method: clinical testing. Allele origin: germline.
Comment: This sequence change replaces proline, which is neutral and non-polar, with serine, which is neutral and polar, at codon 17 of the MALT1 protein (p.Pro17Ser). This variant is not present in population databases (gnomAD no frequency). This variant has not been reported in the literature in individuals affected with MALT1-related conditions. Algorithms developed to predict the effect of missense changes on protein structure and function output the following: SIFT: "Tolerated"; PolyPhen-2: "Possibly Damaging"; Align-GVGD: "Class C0". The serine amino acid residue is found in multiple mammalian species, which suggests that this missense change does not adversely affect protein function. In summary, the available evidence is currently insufficient to determine the role of this variant in disease. Therefore, it has been classified as a Variant of Uncertain Significance.